The following is an entry in ClinVar:

NM_001369.3(DNAH5):c.5219C>T (p.Ala1740Val)

Gene: DNAH5 (dynein axonemal heavy chain 5; minus strand). Cytogenetic location: 5p15.2.
Variant type: single nucleotide variant.
Coding change: c.5219C>T on transcript NM_001369.3 (MANE Select); coding-DNA position 5219, C replaced by T.
Protein change: p.Ala1740Val; replaces alanine 1740 with valine.
Molecular consequence: missense variant.
Genome position (GRCh38, 1-based): chr5:13,844,889, G>A on the plus strand (C>T on the coding strand, the complement: DNAH5 is on the minus strand). VCF-style: chr5-13844889-G-A. GRCh37 (hg19) VCF-style: chr5-13844998-G-A.
Other names: short protein forms A1740V.
Identifiers: ClinVar variation 454782 (VCV000454782.13), dbSNP rs1554074458, ClinGen allele CA359213999.

ClinVar aggregate classification (germline): Uncertain significance. Review status: criteria provided, multiple submitters, no conflicts (2 of 4 stars). 5 submissions from 5 submitters: Uncertain significance (4). 1 of the submissions does not count toward it. Last evaluated 2025-10-18.

Conditions:
Primary ciliary dyskinesia. Also called: Ciliary dyskinesia. Identifiers: Orphanet 244, MedGen C0008780, MONDO:0016575, HP:0012265.
Primary ciliary dyskinesia 3. Identifiers: Orphanet 244, MedGen C1837618, MONDO:0012085, OMIM 608644.

Allele frequency attached by ClinVar (database versions not stated): gnomAD exomes below 0.00001; TOPMed 0.00001.
gnomAD v4.1: 4 of 1,614,192 alleles (0.00025%); highest among the groups gnomAD compares: Middle Eastern, 0.016%; no homozygotes.

Submissions (5):

Ambry Genetics
Classification: Uncertain significance for Primary ciliary dyskinesia. Last evaluated: 2025-10-18. Review status: criteria provided, single submitter. Criteria: Ambry Variant Classification Scheme 2023. Collection method: clinical testing. Allele origin: germline.

Blueprint Genetics
Classification: Uncertain significance. Last evaluated: 2023-10-05. Review status: criteria provided, single submitter. Criteria: ACMG Guidelines, 2015. Collection method: clinical testing. Allele origin: germline.

Labcorp Genetics (formerly Invitae), Labcorp
Classification: Uncertain significance for Primary ciliary dyskinesia. Last evaluated: 2022-06-20. Review status: criteria provided, single submitter. Criteria: Invitae Variant Classification Sherloc (09022015). Collection method: clinical testing. Allele origin: germline.
Comment: This sequence change replaces alanine, which is neutral and non-polar, with valine, which is neutral and non-polar, at codon 1740 of the DNAH5 protein (p.Ala1740Val). This variant is not present in population databases (gnomAD no frequency). This variant has not been reported in the literature in individuals affected with DNAH5-related conditions. ClinVar contains an entry for this variant (Variation ID: 454782). Advanced modeling of protein sequence and biophysical properties (such as structural, functional, and spatial information, amino acid conservation, physicochemical variation, residue mobility, and thermodynamic stability) performed at Invitae indicates that this missense variant is not expected to disrupt DNAH5 protein function. Algorithms developed to predict the effect of sequence changes on RNA splicing suggest that this variant may create or strengthen a splice site. In summary, the available evidence is currently insufficient to determine the role of this variant in disease. Therefore, it has been classified as a Variant of Uncertain Significance.

Fulgent Genetics
Classification: Uncertain significance for Primary ciliary dyskinesia 3. Last evaluated: 2022-01-04. Review status: criteria provided, single submitter. Criteria: ACMG Guidelines, 2015. Collection method: clinical testing. Allele origin: unknown.

Natera, Inc.
Classification: Uncertain significance for Primary ciliary dyskinesia. Last evaluated: 2020-09-02. Review status: no assertion criteria provided. Collection method: clinical testing. Allele origin: germline. Not counted in ClinVar's aggregate classification.